The following is an entry in ClinVar:

ClinVar aggregate classification (germline): Uncertain significance (1 of 4 stars; one submission).

Conditions:
Hereditary cancer-predisposing syndrome. Also called: Neoplastic Syndromes, Hereditary; Tumor predisposition; Hereditary neoplastic syndrome; Hereditary Cancer Syndrome. Identifiers: Orphanet 140162, MedGen C0027672, MeSH D009386, MONDO:0015356.

Submission:

Ambry Genetics
Classification: Uncertain significance for Hereditary cancer-predisposing syndrome. Last evaluated: 2022-11-10. Review status: criteria provided, single submitter. Criteria: Ambry Variant Classification Scheme 2023. Collection method: clinical testing. Allele origin: germline.
Comment: The p.V1518F variant (also known as c.4552G>T), located in coding exon 22 of the DICER1 gene, results from a G to T substitution at nucleotide position 4552. The valine at codon 1518 is replaced by phenylalanine, an amino acid with highly similar properties. This amino acid position is conserved. In addition, the in silico prediction for this alteration is inconclusive. Since supporting evidence is limited at this time, the clinical significance of this alteration remains unclear.

NM_177438.3(DICER1):c.4552G>T (p.Val1518Phe)

Gene: DICER1 (dicer 1, ribonuclease III; minus strand). Cytogenetic location: 14q32.13.
Variant type: single nucleotide variant.
Coding change: c.4552G>T on transcript NM_177438.3 (MANE Select); coding-DNA position 4552, G replaced by T.
Protein change: p.Val1518Phe; replaces valine 1518 with phenylalanine.
Molecular consequence: missense variant. On other transcripts: non-coding transcript variant (6).
Genome position (GRCh38, 1-based): chr14:95,096,368, C>A on the plus strand (G>T on the coding strand, the complement: DICER1 is on the minus strand). VCF-style: chr14-95096368-C-A. GRCh37 (hg19) VCF-style: chr14-95562705-C-A.
Other names: c.4552G>T, p.Val1518Phe (NM_001195573.1, NM_001271282.3, NM_001291628.2 and 13 more transcripts); c.4270G>T, p.Val1424Phe (NM_001395686.1); c.4147G>T, p.Val1383Phe (NM_001395687.1, NM_001395688.1, NM_001395689.1 and 2 more transcripts); c.3985G>T, p.Val1329Phe (NM_001395691.1); c.2869G>T, p.Val957Phe (NM_001395697.1); short protein forms V1329F, V1424F, V957F, V1383F, V1518F.
Identifiers: ClinVar variation 2451688 (VCV002451688.2), dbSNP rs1890337018, ClinGen allele CA390867833.